The following is an entry in ClinVar:

NM_002661.5(PLCG2):c.2867G>A (p.Arg956His)

Gene: PLCG2 (phospholipase C gamma 2; plus strand). Cytogenetic location: 16q23.3.
Variant type: single nucleotide variant.
Coding change: c.2867G>A on transcript NM_002661.5 (MANE Select); coding-DNA position 2867, G replaced by A.
Protein change: p.Arg956His; replaces arginine 956 with histidine.
Molecular consequence: missense variant.
Genome position (GRCh38, 1-based): chr16:81,936,193, G>A. VCF-style: chr16-81936193-G-A. GRCh37 (hg19) VCF-style: chr16-81969798-G-A.
Other names: short protein forms R956H.
Identifiers: ClinVar variation 1474877 (VCV001474877.10), dbSNP rs376030995, ClinGen allele CA8194462.
Genomic context (GRCh38, chr16:81,936,193, plus strand): 5'-CACAGAAGTACTGATGACCTTTTTCTCTGTGTGCAGAAAATCCTGACTTCCGAGAAATCC[G>A]CTCCTTTGTGGAGACGAAGGCTGACAGCATCATCAGACAGAAGCCCGTCGACCTCCTGAA-3'
Protein context (NP_002652.2, residues 946-966): NLENPDFREI[Arg956His]SFVETKADSI

ClinVar aggregate classification (germline): Uncertain significance. Review status: criteria provided, multiple submitters, no conflicts (2 of 4 stars). 3 submissions from 3 submitters: Uncertain significance (3). Last evaluated 2025-12-03.

Conditions:
Familial cold autoinflammatory syndrome 3 (FCAS3). Also called: ANTIBODY DEFICIENCY AND IMMUNE DYSREGULATION, PLCG2-ASSOCIATED; FAMILIAL ATYPICAL COLD URTICARIA. Identifiers: Orphanet 300359, MedGen C3280914, MONDO:0013766, OMIM 614468.
Autoinflammation-PLCG2-associated antibody deficiency-immune dysregulation. Also called: AUTOINFLAMMATION, ANTIBODY DEFICIENCY, AND IMMUNE DYSREGULATION; Autoinflammation, antibody deficiency, and immune dysregulation, plcg2-associated; Autoinflammation, antibody deficiency, and immune dysregulation syndrome. Identifiers: Orphanet 324530, MedGen C3553961, MONDO:0013944, OMIM 614878.

Allele frequency attached by ClinVar (database versions not stated): ExAC 0.00001; gnomAD 0.00001; gnomAD exomes 0.00001; TOPMed 0.00002; ESP Exome Variant Server 0.00008.
gnomAD v4.1: 23 of 1,613,966 alleles (0.0014%); highest among the groups gnomAD compares: African/African-American, 0.0027%; no homozygotes.

Submissions (3):

Labcorp Genetics (formerly Invitae), Labcorp
Classification: Uncertain significance for Familial cold autoinflammatory syndrome 3. Last evaluated: 2025-12-03. Review status: criteria provided, single submitter. Criteria: Invitae Variant Classification Sherloc (09022015). Collection method: clinical testing. Allele origin: germline.
Comment: This sequence change replaces arginine, which is basic and polar, with histidine, which is basic and polar, at codon 956 of the PLCG2 protein (p.Arg956His). This variant is present in population databases (rs376030995, gnomAD 0.008%). This variant has not been reported in the literature in individuals affected with PLCG2-related conditions. ClinVar contains an entry for this variant (Variation ID: 1474877). An algorithm developed to predict the effect of missense changes on protein structure and function (PolyPhen-2) suggests that this variant is likely to be disruptive. In summary, the available evidence is currently insufficient to determine the role of this variant in disease. Therefore, it has been classified as a Variant of Uncertain Significance.

Fulgent Genetics
Classification: Uncertain significance for Familial cold autoinflammatory syndrome 3; Autoinflammation-PLCG2-associated antibody deficiency-immune dysregulation. Last evaluated: 2022-05-18. Review status: criteria provided, single submitter. Criteria: ACMG Guidelines, 2015. Collection method: clinical testing. Allele origin: unknown.

Department of Pathology and Laboratory Medicine, Sinai Health System
Classification: Uncertain significance for Familial cold autoinflammatory syndrome 3; Autoinflammation-PLCG2-associated antibody deficiency-immune dysregulation. Last evaluated: 2021-07-30. Review status: criteria provided, single submitter. Criteria: ACMG Guidelines, 2015. Collection method: research. Allele origin: germline.